The following is an entry in ClinVar:

ClinVar aggregate classification (germline): Uncertain significance (1 of 4 stars; one submission).

Allele frequency attached by ClinVar (database versions not stated): TOPMed 0.00001.

Submission:

Labcorp Genetics (formerly Invitae), Labcorp
Classification: Uncertain significance. Last evaluated: 2024-02-06. Review status: criteria provided, single submitter. Criteria: Invitae Variant Classification Sherloc (09022015). Collection method: clinical testing. Allele origin: germline.
Comment: This sequence change replaces isoleucine, which is neutral and non-polar, with valine, which is neutral and non-polar, at codon 81 of the NACC1 protein (p.Ile81Val). This variant is not present in population databases (gnomAD no frequency). This variant has not been reported in the literature in individuals affected with NACC1-related conditions. ClinVar contains an entry for this variant (Variation ID: 2181186). Advanced modeling of protein sequence and biophysical properties (such as structural, functional, and spatial information, amino acid conservation, physicochemical variation, residue mobility, and thermodynamic stability) performed at Invitae indicates that this missense variant is not expected to disrupt NACC1 protein function with a negative predictive value of 80%. In summary, the available evidence is currently insufficient to determine the role of this variant in disease. Therefore, it has been classified as a Variant of Uncertain Significance.

NM_052876.4(NACC1):c.241A>G (p.Ile81Val)

Gene: NACC1 (nucleus accumbens associated 1; plus strand). Cytogenetic location: 19p13.13.
Variant type: single nucleotide variant.
Coding change: c.241A>G on transcript NM_052876.4 (MANE Select); coding-DNA position 241, A replaced by G.
Protein change: p.Ile81Val; replaces isoleucine 81 with valine.
Molecular consequence: missense variant.
Genome position (GRCh38, 1-based): chr19:13,135,448, A>G. VCF-style: chr19-13135448-A-G. GRCh37 (hg19) VCF-style: chr19-13246262-A-G.
Other names: short protein forms I81V.
Identifiers: ClinVar variation 2181186 (VCV002181186.4), dbSNP rs1241943153, ClinGen allele CA404324781.